The following is an entry in ClinVar:

ClinVar aggregate classification (germline): Uncertain significance (0 of 4 stars; one submission).

Conditions:
DYNC2H1-related disorder. Also called: DYNC2H1-related condition; DYNC2H1-related disorders. Identifiers: MedGen CN378770.

Allele frequency attached by ClinVar (database versions not stated): TOPMed below 0.00001; ESP Exome Variant Server 0.00008.

Submission:

PreventionGenetics, part of Exact Sciences
Classification: Uncertain significance for DYNC2H1-related condition. Last evaluated: 2023-11-22. Review status: no assertion criteria provided. Collection method: clinical testing. Allele origin: germline.
Comment: The DYNC2H1 c.9301C>T variant is predicted to result in the amino acid substitution p.His3101Tyr. To our knowledge, this variant has not been reported in the literature or in a large population database, indicating this variant is rare. At this time, the clinical significance of this variant is uncertain due to the absence of conclusive functional and genetic evidence.

NM_001377.3(DYNC2H1):c.9301C>T (p.His3101Tyr)

Gene: DYNC2H1 (dynein cytoplasmic 2 heavy chain 1; plus strand). Cytogenetic location: 11q22.3.
Variant type: single nucleotide variant.
Coding change: c.9301C>T on transcript NM_001377.3 (MANE Select); coding-DNA position 9301, C replaced by T.
Protein change: p.His3101Tyr; replaces histidine 3101 with tyrosine.
Molecular consequence: missense variant.
Genome position (GRCh38, 1-based): chr11:103,223,034, C>T. VCF-style: chr11-103223034-C-T. GRCh37 (hg19) VCF-style: chr11-103093763-C-T.
Other names: c.9301C>T, p.His3101Tyr (NM_001080463.2); short protein forms H3101Y.
Identifiers: ClinVar variation 3031458 (VCV003031458.2), dbSNP rs377668502, ClinGen allele CA227417862.